The following is an entry in ClinVar:

ClinVar aggregate classification (germline): Pathogenic (1 of 4 stars; one submission).

Conditions:
Intellectual disability-facial dysmorphism syndrome due to SETD5 haploinsufficiency (MRD23). Also called: Intellectual developmental disorder, autosomal dominant 23. Identifiers: Orphanet 404440, MedGen C3810406, MONDO:0014336, OMIM 615761.

Submission:

Institute of Human Genetics, University of Leipzig Medical Center
Classification: Pathogenic for Intellectual disability-facial dysmorphism syndrome due to SETD5 haploinsufficiency. Last evaluated: 2021-11-03. Review status: criteria provided, single submitter. Criteria: ACMG Guidelines, 2015. Collection method: clinical testing. Allele origin: de novo. Affected: yes.
Comment: This variant was identified as de novo (maternity and paternity confirmed)._x000D_ Criteria applied: PVS1, PS2_MOD, PM2_SUP

NM_001080517.3(SETD5):c.1689del (p.Glu564fs)

Gene: SETD5 (SET domain containing 5; plus strand). Cytogenetic location: 3p25.3.
Variant type: Deletion.
Coding change: c.1689del on transcript NM_001080517.3 (MANE Select); coding-DNA position 1689, one base deleted (T; older notation c.1689delT).
Protein change: p.Glu564fs; shifts the reading frame from glutamic acid 564.
Molecular consequence: frameshift variant.
Genome position (GRCh38, 1-based): chr3:9,447,214, T deleted. VCF-style (leftmost placement, unchanged base first): chr3-9447213-CT-C. GRCh37 (hg19) VCF-style: chr3-9488897-CT-C.
Other names: c.1395del, p.Glu466fs (NM_001292043.2, NM_001349451.2); short protein forms E466fs, E564fs.
Identifiers: ClinVar variation 1325818 (VCV001325818.1), dbSNP rs2125273254, ClinGen allele CA2573052252.